The following is an entry in ClinVar:

ClinVar aggregate classification (germline): Uncertain significance. Review status: criteria provided, multiple submitters, no conflicts (2 of 4 stars). 3 submissions from 3 submitters: Uncertain significance (3). Last evaluated 2023-08-24.

Conditions:
Inborn genetic diseases. Identifiers: MedGen C0950123, MeSH D030342.

Allele frequency attached by ClinVar (database versions not stated): TOPMed 0.00001; gnomAD exomes 0.00008; ExAC 0.00010.
gnomAD v4.1: 19 of 1,607,540 alleles (0.0012%); highest among the groups gnomAD compares: Admixed American, 0.032%; no homozygotes.

Submissions (3):

Labcorp Genetics (formerly Invitae), Labcorp
Classification: Uncertain significance. Last evaluated: 2023-08-24. Review status: criteria provided, single submitter. Criteria: Invitae Variant Classification Sherloc (09022015). Collection method: clinical testing. Allele origin: germline.
Comment: This sequence change replaces glycine, which is neutral and non-polar, with glutamic acid, which is acidic and polar, at codon 2 of the ADAM9 protein (p.Gly2Glu). This variant is present in population databases (rs769951936, gnomAD 0.05%). This variant has not been reported in the literature in individuals affected with ADAM9-related conditions. ClinVar contains an entry for this variant (Variation ID: 1006181). An algorithm developed to predict the effect of missense changes on protein structure and function (PolyPhen-2) suggests that this variant is likely to be tolerated. In summary, the available evidence is currently insufficient to determine the role of this variant in disease. Therefore, it has been classified as a Variant of Uncertain Significance.

Ambry Genetics
Classification: Uncertain significance for Inborn genetic diseases. Last evaluated: 2022-08-12. Review status: criteria provided, single submitter. Criteria: Ambry Variant Classification Scheme 2023. Collection method: clinical testing. Allele origin: germline.

Blueprint Genetics
Classification: Uncertain significance. Last evaluated: 2021-09-29. Review status: criteria provided, single submitter. Criteria: ACMG Guidelines, 2015. Collection method: clinical testing. Allele origin: germline.

NM_003816.3(ADAM9):c.5G>A (p.Gly2Glu)

Genes: ADAM9 (ADAM metallopeptidase domain 9; plus strand), LOC130000261 (ATAC-STARR-seq lymphoblastoid active region 27275; plus strand). Cytogenetic location: 8p11.22.
Variant type: single nucleotide variant.
Coding change: c.5G>A on transcript NM_003816.3 (MANE Select); coding-DNA position 5, G replaced by A.
Protein change: p.Gly2Glu; replaces glycine 2 with glutamic acid.
Molecular consequence: missense variant. On other transcripts: non-coding transcript variant (3).
Genome position (GRCh38, 1-based): chr8:38,997,068, G>A. VCF-style: chr8-38997068-G-A. GRCh37 (hg19) VCF-style: chr8-38854587-G-A.
Other names: c.5G>A (NM_003816.2); short protein forms G2E.
Identifiers: ClinVar variation 1006181 (VCV001006181.8), dbSNP rs769951936, ClinGen allele CA4721173.
Genomic context (GRCh38, chr8:38,997,068, plus strand): 5'-AAGAGGCGGAGGTGGAGGCGACCGAGTGCTGAGAGGAACCTGCGGAATCGGCCGAGATGG[G>A]GTCTGGCGCGCGCTTTCCCTCGGGGACCCTTCGTGTCCGGTGGTTGCTGTTGCTTGGCCT-3'
Protein context (NP_003807.1, residues 1-12): M[Gly2Glu]SGARFPSGTL